The following is an entry in ClinVar:

ClinVar aggregate classification (germline): Benign/Likely benign. Review status: criteria provided, multiple submitters, no conflicts (2 of 4 stars). 5 submissions from 5 submitters: Benign (3); Likely benign (2). Last evaluated 2026-06-24.

Conditions:
CENPE-related disorder. Also called: CENPE-related condition.

Allele frequency attached by ClinVar (database versions not stated): gnomAD exomes 0.00063 and 0.00122; ExAC 0.00142; TOPMed 0.00387; gnomAD 0.00395 and 0.00412; ESP Exome Variant Server 0.00454; 1000 Genomes Project 0.00519; 1000 Genomes Project 30x 0.00609.
gnomAD v4.1: 1,545 of 1,612,918 alleles (0.096%); highest among the groups gnomAD compares: African/African-American, 1.2%; 5 homozygotes.

Submissions (5):

PreventionGenetics, part of Exact Sciences
Classification: Benign for CENPE-related condition. Last evaluated: 2026-06-24. Review status: criteria provided, single submitter. Criteria: ACMG Guidelines, 2015. Collection method: clinical testing. Allele origin: germline.
Comment: This variant is classified as benign based on ACMG/AMP sequence variant interpretation guidelines (Richards et al. 2015 PMID: 25741868, with internal and published modifications).

Blueprint Genetics
Classification: Likely benign. Last evaluated: 2024-10-21. Review status: criteria provided, single submitter. Criteria: ACMG Guidelines, 2015. Collection method: clinical testing. Allele origin: germline.

GeneDx
Classification: Likely benign. Last evaluated: 2020-12-03. Review status: criteria provided, single submitter. Criteria: GeneDx Variant Classification Process June 2021. Collection method: clinical testing. Allele origin: germline. Affected: yes.

Labcorp Genetics (formerly Invitae), Labcorp
Classification: Benign. Last evaluated: 2019-12-31. Review status: criteria provided, single submitter. Criteria: Invitae Variant Classification Sherloc (09022015). Collection method: clinical testing. Allele origin: germline.

Genetic Services Laboratory, University of Chicago
Classification: Benign. Last evaluated: 2019-06-19. Review status: criteria provided, single submitter. Criteria: ACMG Guidelines, 2015. Collection method: clinical testing. Allele origin: germline. Affected: no.

NM_001813.3(CENPE):c.1912A>G (p.Lys638Glu)

Gene: CENPE (centromere protein E; minus strand). Cytogenetic location: 4q24.
Variant type: single nucleotide variant.
Coding change: c.1912A>G on transcript NM_001813.3 (MANE Select); coding-DNA position 1912, A replaced by G.
Protein change: p.Lys638Glu; replaces lysine 638 with glutamic acid.
Molecular consequence: missense variant.
Genome position (GRCh38, 1-based): chr4:103,161,388, T>C on the plus strand (A>G on the coding strand, the complement: CENPE is on the minus strand). VCF-style: chr4-103161388-T-C. GRCh37 (hg19) VCF-style: chr4-104082545-T-C.
Other names: c.1837A>G, p.Lys613Glu (NM_001286734.2); short protein forms K613E, K638E.
Identifiers: ClinVar variation 787273 (VCV000787273.12), dbSNP rs114613121, ClinGen allele CA3030398.
Genomic context (GRCh38, chr4:103,161,388, plus strand): 5'-TACTTACCATTTTCTCCTTCAGCTCCAGATTTTCACTTCTAAGAAAGGCTGATTCTCTCT[T>C]GGCATCAAGGGCTACAGTTTCAGCATCAAACAGAGTCTGCTTCATTTGTTTTGGGTCTTC-3'
Protein context (NP_001804.2, residues 628-648): FDAETVALDA[Lys638Glu]RESAFLRSEN